The following is an entry in ClinVar:

NM_000136.3(FANCC):c.1604G>A (p.Arg535His)

Genes: AOPEP (aminopeptidase O (putative); plus strand), FANCC (FA complementation group C; minus strand). Cytogenetic location: 9q22.32.
Variant type: single nucleotide variant.
Coding change: c.1604G>A on transcript NM_000136.3 (MANE Select); coding-DNA position 1604, G replaced by A.
Protein change: p.Arg535His; replaces arginine 535 with histidine.
Molecular consequence: missense variant.
Genome position (GRCh38, 1-based): chr9:95,101,780, C>T on the plus strand (G>A on the coding strand, the complement: FANCC is on the minus strand). VCF-style: chr9-95101780-C-T. GRCh37 (hg19) VCF-style: chr9-97864062-C-T.
Other names: p.R535H:CGT>CAT; c.1604G>A, p.Arg535His (NM_001243743.2); short protein forms R535H.
Identifiers: ClinVar variation 127535 (VCV000127535.13), dbSNP rs587779902, ClinGen allele CA287196.

ClinVar aggregate classification (germline): Conflicting classifications of pathogenicity. Review status: criteria provided, conflicting classifications (1 of 4 stars). 5 submissions from 5 submitters: Uncertain significance (3); Likely benign (2). Last evaluated 2025-04-13.

Conditions:
Hereditary cancer-predisposing syndrome. Also called: Neoplastic Syndromes, Hereditary; Hereditary Cancer Syndrome; Tumor predisposition; Hereditary neoplastic syndrome. Identifiers: Orphanet 140162, MedGen C0027672, MeSH D009386, MONDO:0015356.
Fanconi anemia (FA). Also called: Fanconi's anemia. Identifiers: Orphanet 84, MedGen C0015625, MeSH D005199, MONDO:0019391.

Allele frequency attached by ClinVar (database versions not stated): TOPMed 0.00003; ExAC 0.00001; gnomAD 0.00004.
gnomAD v4.1: 30 of 1,614,024 alleles (0.0019%); highest among the groups gnomAD compares: African/African-American, 0.0067%; no homozygotes.

Submissions (5):

Labcorp Genetics (formerly Invitae), Labcorp
Classification: Uncertain significance for Fanconi anemia. Last evaluated: 2025-04-13. Review status: criteria provided, single submitter. Criteria: Invitae Variant Classification Sherloc (09022015). Collection method: clinical testing. Allele origin: germline.
Comment: This sequence change replaces arginine, which is basic and polar, with histidine, which is basic and polar, at codon 535 of the FANCC protein (p.Arg535His). This variant is present in population databases (rs587779902, gnomAD 0.004%). This variant has not been reported in the literature in individuals affected with FANCC-related conditions. ClinVar contains an entry for this variant (Variation ID: 127535). Invitae Evidence Modeling of protein sequence and biophysical properties (such as structural, functional, and spatial information, amino acid conservation, physicochemical variation, residue mobility, and thermodynamic stability) indicates that this missense variant is not expected to disrupt FANCC protein function with a negative predictive value of 80%. In summary, the available evidence is currently insufficient to determine the role of this variant in disease. Therefore, it has been classified as a Variant of Uncertain Significance.

Quest Diagnostics Nichols Institute San Juan Capistrano
Classification: Uncertain significance. Last evaluated: 2024-02-20. Review status: criteria provided, single submitter. Criteria: Quest Diagnostics criteria. Collection method: clinical testing. Allele origin: unknown.
Comment: The FANCC c.1604G>A (p.Arg535His) variant has been reported in the published literature as a somatic variant in an individual with colorectal cancer (PMID: 31911673 (2020)). The frequency of this variant in the general population, 0.000039 (5/129132 chromosomes (Genome Aggregation Database)), is uninformative in the assessment of its pathogenicity. Analysis of this variant using bioinformatics tools for the prediction of the effect of amino acid changes on protein structure and function yielded predictions that this variant is benign. Based on the available information, we are unable to determine the clinical significance of this variant.

Women's Health and Genetics/Laboratory Corporation of America, LabCorp
Classification: Uncertain significance. Last evaluated: 2023-04-04. Review status: criteria provided, single submitter. Criteria: LabCorp Variant Classification Summary - May 2015. Collection method: clinical testing. Allele origin: germline.
Comment: Variant summary: FANCC c.1604G>A (p.Arg535His) results in a non-conservative amino acid change in the encoded protein sequence. Four of five in-silico tools predict a benign effect of the variant on protein function. The variant allele was found at a frequency of 2.8e-05 in 251394 control chromosomes (gnomAD). The available data on variant occurrences in the general population are insufficient to allow any conclusion about variant significance. To our knowledge, no occurrence of c.1604G>A in individuals affected with Fanconi Anemia Group C and no experimental evidence demonstrating its impact on protein function have been reported. Three clinical diagnostic laboratories have submitted clinical-significance assessments for this variant to ClinVar after 2014 and classified the variant as VUS (n=1) and likely benign (n=2). Based on the evidence outlined above, the variant was classified as uncertain significance.

Ambry Genetics
Classification: Likely benign for Hereditary cancer-predisposing syndrome. Last evaluated: 2018-08-14. Review status: criteria provided, single submitter. Criteria: Ambry Variant Classification Scheme 2023. Collection method: clinical testing. Allele origin: germline.

GeneDx
Classification: Likely benign. Last evaluated: 2018-03-08. Review status: criteria provided, single submitter. Criteria: GeneDx Variant Classification (06012015). Collection method: clinical testing. Allele origin: germline. Affected: yes.
Comment: This variant is considered likely benign or benign based on one or more of the following criteria: it is a conservative change, it occurs at a poorly conserved position in the protein, it is predicted to be benign by multiple in silico algorithms, and/or has population frequency not consistent with disease.

Literature cited by the submitters: PubMed 32620917 (cited by Quest Diagnostics Nichols Institute San Juan Capistrano).